The following is an entry in ClinVar:

NM_000533.5(PLP1):c.677C>G (p.Ser226Cys)

Genes: RAB9B (RAB9B, member RAS oncogene family; minus strand), PLP1 (proteolipid protein 1; plus strand). Cytogenetic location: Xq22.2.
Variant type: single nucleotide variant.
Coding change: c.677C>G on transcript NM_000533.5 (MANE Select); coding-DNA position 677, C replaced by G.
Protein change: p.Ser226Cys; replaces serine 226 with cysteine.
Molecular consequence: missense variant.
Genome position (GRCh38, 1-based): chrX:103,788,491, C>G. VCF-style: chrX-103788491-C-G. GRCh37 (hg19) VCF-style: chrX-103043420-C-G.
Other names: c.677C>G, p.Ser226Cys (NM_001128834.3); c.512C>G, p.Ser171Cys (NM_001305004.1); c.572C>G, p.Ser191Cys (NM_199478.3); short protein forms S226C, S191C, S171C.
Identifiers: ClinVar variation 561090 (VCV000561090.2), dbSNP rs746949269, ClinGen allele CA414104388.
Genomic context (GRCh38, chrX:103,788,491, plus strand): 5'-ACTTAGGTGTTCTCCCATGGAATGCTTTCCCTGGCAAGGTTTGTGGCTCCAACCTTCTGT[C>G]CATCTGCAAAACAGCTGAGGTGAGTGGGTTATTTGGGTTATTTTACAAGGGAGTAGCTAA-3'
Protein context (NP_000524.3, residues 216-236): PGKVCGSNLL[Ser226Cys]ICKTAEFQMT

ClinVar aggregate classification (germline): Uncertain significance (1 of 4 stars; one submission).

Conditions:
Pelizaeus-Merzbacher disease. Also called: Pelizeaus-Merzbacher spectrum disorder; Sudanophilic leukodystrophy; LEUKODYSTROPHY, HYPOMYELINATING, 1; Pelizaeus-Merzbacher spectrum disorder; Pelizaeus-Merzbacher Disease (PMD). Identifiers: Orphanet 702, MedGen C0205711, MONDO:0010714, OMIM 312080, HP:0003269.
Hereditary spastic paraplegia 2 (SPG2). Also called: SPASTIC PARAPLEGIA 2, X-LINKED; Spastic Paraplegia 2 (SPG2). Identifiers: Orphanet 99015, MedGen C0751604, MONDO:0010733, OMIM 312920.

Submission:

Baylor Genetics
Classification: Uncertain significance for Pelizaeus-Merzbacher disease; Hereditary spastic paraplegia 2. Last evaluated: 2017-09-01. Review status: criteria provided, single submitter. Criteria: ACMG Guidelines, 2015. Collection method: clinical testing. Allele origin: de novo. Inheritance: X-linked inheritance. Affected: yes.

Literature cited by the submitters: PubMed 25326635.